The following is an entry in ClinVar:

ClinVar aggregate classification (germline): Uncertain significance (1 of 4 stars; one submission).

Conditions:
PMM2-congenital disorder of glycosylation. Also called: CDG Ia; PMM2-CDG; PHOSPHOMANNOMUTASE 2 DEFICIENCY; CARBOHYDRATE-DEFICIENT GLYCOPROTEIN SYNDROME, TYPE Ia; JAEKEN SYNDROME; Congenital disorder of glycosylation, type Ia. Identifiers: Orphanet 79318, MedGen C0349653, MONDO:0008907, OMIM 212065.

Submission:

Labcorp Genetics (formerly Invitae), Labcorp
Classification: Uncertain significance for PMM2-congenital disorder of glycosylation. Last evaluated: 2020-07-20. Review status: criteria provided, single submitter. Criteria: Invitae Variant Classification Sherloc (09022015). Collection method: clinical testing. Allele origin: germline.
Comment: This variant results in a copy number gain of the genomic region encompassing exon(s) 1-4 of the PMM2 gene, which includes the initiator codon. The 5' end of this event is unknown as it extends beyond the assayed region for this gene and therefore may encompass additional genes. The 3' boundary is likely confined to intron 4 of the PMM2 gene. As the precise location of this event is unknown, it may be in tandem or it may be located elsewhere in the genome. This variant has not been reported in the literature in individuals with PMM2-related conditions. In summary, the available evidence is currently insufficient to determine the role of this variant in disease. Therefore, it has been classified as a Variant of Uncertain Significance.

NC_000016.9:g.(?_8891720)_(8900284_?)dup

Gene: PMM2 (phosphomannomutase 2; plus strand). Cytogenetic location: 16p13.2.
Variant type: Duplication.
Identifiers: ClinVar variation 1046308 (VCV001046308.1).